The following is an entry in ClinVar:

ClinVar aggregate classification (germline): Uncertain significance (1 of 4 stars; one submission).

gnomAD v4.1: 1 of 1,613,872 alleles (0.000062%); highest among the groups gnomAD compares: Non-Finnish European, 0.000085%; no homozygotes.

Submission:

Women's Health and Genetics/Laboratory Corporation of America, LabCorp
Classification: Uncertain significance. Last evaluated: 2025-06-11. Review status: criteria provided, single submitter. Criteria: LabCorp Variant Classification Summary - May 2015. Collection method: clinical testing. Allele origin: germline.
Comment: Variant summary: ALPL c.1291G>A (p.Val431Ile) results in a conservative amino acid change in the encoded protein sequence. Algorithms developed to predict the effect of missense changes on protein structure and function are either unavailable or do not agree on the potential impact of this missense change. The variant was absent in 251340 control chromosomes. The available data on variant occurrences in the general population are insufficient to allow any conclusion about variant significance. To our knowledge, no occurrence of c.1291G>A in individuals affected with Hypophosphatasia and no experimental evidence demonstrating its impact on protein function have been reported. No submitters have cited clinical-significance assessments for this variant to ClinVar. Based on the evidence outlined above, the variant was classified as uncertain significance.

NM_000478.6(ALPL):c.1291G>A (p.Val431Ile)

Gene: ALPL (alkaline phosphatase, biomineralization associated; plus strand). Cytogenetic location: 1p36.12.
Variant type: single nucleotide variant.
Coding change: c.1291G>A on transcript NM_000478.6 (MANE Select); coding-DNA position 1291, G replaced by A.
Protein change: p.Val431Ile; replaces valine 431 with isoleucine.
Molecular consequence: missense variant.
Genome position (GRCh38, 1-based): chr1:21,576,623, G>A. VCF-style: chr1-21576623-G-A. GRCh37 (hg19) VCF-style: chr1-21903116-G-A.
Other names: c.1126G>A, p.Val376Ile (NM_001127501.4); c.1060G>A, p.Val354Ile (NM_001177520.3); c.1291G>A, p.Val431Ile (NM_001369803.2, NM_001369804.2, NM_001369805.2); short protein forms V354I, V376I, V431I.
Identifiers: ClinVar variation 3907211 (VCV003907211.1).